The following is an entry in ClinVar:

ClinVar aggregate classification (germline): Uncertain significance (1 of 4 stars; one submission).

Conditions:
POLD1-related polyposis and colorectal cancer syndrome (CRCS10). Also called: Colorectal cancer 10; COLORECTAL CANCER, SUSCEPTIBILITY TO, ON CHROMOSOME 19q; Colorectal cancer, susceptibility to, 10. Identifiers: Orphanet 220460, MedGen C2675481, MONDO:0012953, OMIM 612591.

Submission:

Labcorp Genetics (formerly Invitae), Labcorp
Classification: Uncertain significance for POLD1-related polyposis and colorectal cancer syndrome. Last evaluated: 2025-12-03. Review status: criteria provided, single submitter. Criteria: Invitae Variant Classification Sherloc (09022015). Collection method: clinical testing. Allele origin: germline.
Comment: This sequence change replaces proline, which is neutral and non-polar, with leucine, which is neutral and non-polar, at codon 110 of the POLD1 protein (p.Pro110Leu). This variant is not present in population databases (gnomAD no frequency). This variant has not been reported in the literature in individuals affected with POLD1-related conditions. ClinVar contains an entry for this variant (Variation ID: 3697508). An algorithm developed to predict the effect of missense changes on protein structure and function (PolyPhen-2) suggests that this variant is likely to be tolerated. In summary, the available evidence is currently insufficient to determine the role of this variant in disease. Therefore, it has been classified as a Variant of Uncertain Significance.

NM_002691.4(POLD1):c.329C>T (p.Pro110Leu)

Gene: POLD1 (DNA polymerase delta 1, catalytic subunit; plus strand). Cytogenetic location: 19q13.33.
Variant type: single nucleotide variant.
Coding change: c.329C>T on transcript NM_002691.4 (MANE Select); coding-DNA position 329, C replaced by T.
Protein change: p.Pro110Leu; replaces proline 110 with leucine.
Molecular consequence: missense variant. On other transcripts: non-coding transcript variant (1).
Genome position (GRCh38, 1-based): chr19:50,401,790, C>T. VCF-style: chr19-50401790-C-T. GRCh37 (hg19) VCF-style: chr19-50905047-C-T.
Other names: c.329C>T, p.Pro110Leu (NM_001256849.1, NM_001308632.1); short protein forms P110L.
Identifiers: ClinVar variation 3697508 (VCV003697508.2).